The following is an entry in ClinVar:

ClinVar aggregate classification (germline): Likely pathogenic. Review status: criteria provided, multiple submitters, no conflicts (2 of 4 stars). 3 submissions from 3 submitters: Likely pathogenic (2). 1 of the submissions does not count toward it. Last evaluated 2024-01-19.

Conditions:
Autosomal recessive nonsyndromic hearing loss 1A (DFNB1A). Also called: GJB6-Related DFNB 1 Nonsyndromic Hearing Loss and Deafness; Deafness, autosomal recessive 1A; GJB2-Related Autosomal Recessive Nonsyndromic Hearing Loss; Connexin 26 deafness; Deafness nonsyndromic, Connexin 26 linked; Nonsyndromic Hearing Loss and Deafness, DFNB1. Identifiers: Orphanet 90636, MedGen C2673759, MONDO:0009076, OMIM 220290.
nonsyndromic sensorineural hearing loss. Identifiers: MedGen C1842137, MeSH C537845.

Submissions (3):

Labcorp Genetics (formerly Invitae), Labcorp
Classification: Likely pathogenic. Last evaluated: 2024-01-19. Review status: criteria provided, single submitter. Criteria: Invitae Variant Classification Sherloc (09022015). Collection method: clinical testing. Allele origin: germline.
Comment: This sequence change replaces cysteine, which is neutral and slightly polar, with arginine, which is basic and polar, at codon 169 of the GJB2 protein (p.Cys169Arg). This variant is present in population databases (rs760489970, gnomAD 0.006%). This missense change has been observed in individual(s) with deafness (PMID: 22695344, 28483220). ClinVar contains an entry for this variant (Variation ID: 1064641). Advanced modeling of protein sequence and biophysical properties (such as structural, functional, and spatial information, amino acid conservation, physicochemical variation, residue mobility, and thermodynamic stability) performed at Invitae indicates that this missense variant is expected to disrupt GJB2 protein function with a positive predictive value of 95%. This variant disrupts the p.Cys169 amino acid residue in GJB2. Other variant(s) that disrupt this residue have been determined to be pathogenic (PMID: 24551843, 25628337, 34354426). This suggests that this residue is clinically significant, and that variants that disrupt this residue are likely to be disease-causing. In summary, the currently available evidence indicates that the variant is pathogenic, but additional data are needed to prove that conclusively. Therefore, this variant has been classified as Likely Pathogenic.

Lifecell International Pvt. Ltd
Classification: Likely pathogenic for Autosomal recessive nonsyndromic hearing loss 1A. Review status: criteria provided, single submitter. Criteria: ACMG Guidelines, 2015. Collection method: clinical testing. Allele origin: germline. Inheritance: Autosomal recessive inheritance. Affected: yes. Observed: 1 compound heterozygote.
Comment: A Heterozygous Missense variant c.505T>C in Exon 2 of the GJB2 gene that results in the amino acid substitution p.Cys169Arg was identified. The observed variant is novel in gnomAD exomes and genomes. The severity of the impact of this variant on the protein is high, based on the effect of the protein and REVEL score . Rare Exome Variant Ensemble Learner (REVEL) is an ensembl method for predicting the pathogenicity of missense variants based on a combination of scores from 13 individual tools: MutPred, FATHMM v2.3, VEST 3.0, PolyPhen-2, SIFT, PROVEAN, MutationAssessor, MutationTaster, LRT, GERP++, SiPhy, phyloP, and phastCons. The REVEL score for an individual missense variant can range from 0 to 1, with higher scores reflecting greater likelihood that the variant is disease-causing. A different missense variation in the same codon has been reported in deafness patients (Mahfood M, et.al., 2021). ClinVar has also classified this variant as Pathogenic [Variation ID: 1064641]. For these reasons, this variant has been classified as Likely Pathogenic.

Molecular Genetics Laboratory, BC Children's and BC Women's Hospitals
Classification: Likely pathogenic for nonsyndromic sensorineural hearing loss. Last evaluated: 2020-11-02. Review status: no assertion criteria provided. Criteria: ACMG Guidelines, 2015. Collection method: clinical testing. Allele origin: germline. Affected: yes. Not counted in ClinVar's aggregate classification.

Literature cited by the submitters: PubMed 22695344 (cited by Labcorp Genetics (formerly Invitae), Labcorp); PubMed 28483220 (cited by Labcorp Genetics (formerly Invitae), Labcorp); PubMed 24551843 (cited by Labcorp Genetics (formerly Invitae), Labcorp); PubMed 25628337 (cited by Labcorp Genetics (formerly Invitae), Labcorp); PubMed 34354426 (cited by Labcorp Genetics (formerly Invitae), Labcorp and Lifecell International Pvt. Ltd).

NM_004004.6(GJB2):c.505T>C (p.Cys169Arg)

Gene: GJB2 (gap junction protein beta 2; minus strand). Cytogenetic location: 13q12.11.
Variant type: single nucleotide variant.
Coding change: c.505T>C on transcript NM_004004.6 (MANE Select); coding-DNA position 505, T replaced by C.
Protein change: p.Cys169Arg; replaces cysteine 169 with arginine.
Molecular consequence: missense variant.
Genome position (GRCh38, 1-based): chr13:20,189,077, A>G on the plus strand (T>C on the coding strand, the complement: GJB2 is on the minus strand). VCF-style: chr13-20189077-A-G. GRCh37 (hg19) VCF-style: chr13-20763216-A-G.
Other names: short protein forms C169R.
Identifiers: ClinVar variation 1064641 (VCV001064641.5), dbSNP rs760489970, ClinGen allele CA6904253.
Genomic context (GRCh38, chr13:20,189,077, plus strand): 5'-TCTTCTCCGTGGGCCGGGACACAAAGCAGTCCACAGTGTTGGGACAAGGCCAGGCGTTGC[A>G]CTTCACCAGCCGCTGCATGGAGAAGCCGTCGTACATGACATAGAAGACGTACATGAAGGC-3'
Protein context (NP_003995.2, residues 159-179): DGFSMQRLVK[Cys169Arg]NAWPCPNTVD